The following is an entry in ClinVar:

ClinVar aggregate classification (germline): Benign/Likely benign. Review status: criteria provided, multiple submitters, no conflicts (2 of 4 stars). 2 submissions from 2 submitters: Benign (1); Likely benign (1). Last evaluated 2024-06-26.

Conditions:
Hereditary cancer-predisposing syndrome. Also called: Hereditary Cancer Syndrome; Neoplastic Syndromes, Hereditary; Tumor predisposition; Hereditary neoplastic syndrome. Identifiers: Orphanet 140162, MedGen C0027672, MeSH D009386, MONDO:0015356.
Oligodontia-cancer predisposition syndrome. Also called: TOOTH AGENESIS-COLORECTAL CANCER SYNDROME. Identifiers: Orphanet 300576, MedGen C1837750, MONDO:0012075, OMIM 608615. Disease mechanism: loss of function.

Submissions (2):

Myriad Genetics, Inc.
Classification: Benign for Oligodontia-cancer predisposition syndrome. Last evaluated: 2024-06-26. Review status: criteria provided, single submitter. Criteria: Myriad Autosomal Dominant, Autosomal Recessive and X-Linked Classification Criteria (2023). Collection method: clinical testing. Allele origin: unknown.
Comment: This variant is considered benign. This variant is a silent/synonymous amino acid change and it is not expected to impact splicing.

Ambry Genetics
Classification: Likely benign for Hereditary cancer-predisposing syndrome. Last evaluated: 2022-02-15. Review status: criteria provided, single submitter. Criteria: Ambry Variant Classification Scheme 2023. Collection method: clinical testing. Allele origin: germline.

NM_004655.4(AXIN2):c.489G>A (p.Lys163=)

Gene: AXIN2 (axin 2; minus strand). Cytogenetic location: 17q24.1.
Variant type: single nucleotide variant.
Coding change: c.489G>A on transcript NM_004655.4 (MANE Select); coding-DNA position 489, G replaced by A.
Protein change: p.Lys163=; no amino-acid change (lysine 163 retained).
Molecular consequence: synonymous variant.
Genome position (GRCh38, 1-based): chr17:65,558,132, C>T on the plus strand (G>A on the coding strand, the complement: AXIN2 is on the minus strand). VCF-style: chr17-65558132-C-T. GRCh37 (hg19) VCF-style: chr17-63554250-C-T.
Other names: c.489G>A, p.Lys163= (NM_001363813.1).
Identifiers: ClinVar variation 1743911 (VCV001743911.3), dbSNP rs2144585306, ClinGen allele CA501691687.